The following is an entry in ClinVar:

NM_145059.3(FCSK):c.2974C>T (p.Gln992Ter)

Gene: FCSK (fucose kinase; plus strand). Cytogenetic location: 16q22.1.
Variant type: single nucleotide variant.
Coding change: c.2974C>T on transcript NM_145059.3 (MANE Select); coding-DNA position 2974, C replaced by T.
Protein change: p.Gln992Ter; replaces glutamine 992 with a stop codon.
Molecular consequence: nonsense.
Genome position (GRCh38, 1-based): chr16:70,479,224, C>T. VCF-style: chr16-70479224-C-T. GRCh37 (hg19) VCF-style: chr16-70513127-C-T.
Other names: short protein forms Q992*.
Identifiers: ClinVar variation 3352400 (VCV003352400.2).

ClinVar aggregate classification (germline): Uncertain significance (1 of 4 stars; one submission).

Conditions:
FCSK-related disorder. Also called: FCSK-related condition.

gnomAD v4.1: 52 of 1,613,866 alleles (0.0032%); highest among the groups gnomAD compares: African/African-American, 0.063%; no homozygotes.

Submission:

PreventionGenetics, part of Exact Sciences
Classification: Uncertain significance for FCSK-related condition. Last evaluated: 2026-05-28. Review status: criteria provided, single submitter. Criteria: ACMG Guidelines, 2015. Collection method: clinical testing. Allele origin: germline.
Comment: The FCSK c.2974C>T variant is predicted to result in premature protein termination (p.Gln992*). To our knowledge, this variant has not been reported in the literature. This variant is reported in 0.050% of alleles in individuals of African descent in gnomAD. To date, few protein-truncating variants in this gene have been associated with disease (Human Gene Mutation Database). At this time, the clinical significance of this variant is uncertain due to the absence of conclusive functional and genetic evidence.